The following is an entry in ClinVar:

NM_004082.5(DCTN1):c.1517C>T (p.Ala506Val)

Gene: DCTN1 (dynactin subunit 1; minus strand). Cytogenetic location: 2p13.1.
Variant type: single nucleotide variant.
Coding change: c.1517C>T on transcript NM_004082.5 (MANE Select); coding-DNA position 1517, C replaced by T.
Protein change: p.Ala506Val; replaces alanine 506 with valine.
Molecular consequence: missense variant. On other transcripts: non-coding transcript variant (1).
Genome position (GRCh38, 1-based): chr2:74,369,367, G>A on the plus strand (C>T on the coding strand, the complement: DCTN1 is on the minus strand). VCF-style: chr2-74369367-G-A. GRCh37 (hg19) VCF-style: chr2-74596494-G-A.
Other names: c.1457C>T, p.Ala486Val (NM_001135040.3); c.1115C>T, p.Ala372Val (NM_001135041.3, NM_023019.4); c.1406C>T, p.Ala469Val (NM_001190836.2); c.1496C>T, p.Ala499Val (NM_001190837.2); c.1466C>T, p.Ala489Val (NM_001378991.1); c.1448C>T, p.Ala483Val (NM_001378992.1); short protein forms A372V, A499V, A486V, A489V, A469V, A483V, A506V.
Identifiers: ClinVar variation 1774338 (VCV001774338.2), dbSNP rs2529145356, ClinGen allele CA347358064.

ClinVar aggregate classification (germline): Uncertain significance (1 of 4 stars; one submission).

Conditions:
Inborn genetic diseases. Identifiers: MedGen C0950123, MeSH D030342.

Submission:

Ambry Genetics
Classification: Uncertain significance for Inborn genetic diseases. Last evaluated: 2021-01-15. Review status: criteria provided, single submitter. Criteria: Ambry Variant Classification Scheme 2023. Collection method: clinical testing. Allele origin: germline.
Comment: The p.A506V variant (also known as c.1517C>T), located in coding exon 14 of the DCTN1 gene, results from a C to T substitution at nucleotide position 1517. The alanine at codon 506 is replaced by valine, an amino acid with similar properties. This amino acid position is highly conserved in available vertebrate species. In addition, the in silico prediction for this alteration is inconclusive. Since supporting evidence is limited at this time, the clinical significance of this alteration remains unclear.